The following is an entry in ClinVar:

NM_000059.4(BRCA2):c.3566A>T (p.Lys1189Ile)

Gene: BRCA2 (BRCA2 DNA repair associated; plus strand). Cytogenetic location: 13q13.1.
Variant type: single nucleotide variant.
Coding change: c.3566A>T on transcript NM_000059.4 (MANE Select); coding-DNA position 3566, A replaced by T.
Protein change: p.Lys1189Ile; replaces lysine 1189 with isoleucine.
Molecular consequence: missense variant. On other transcripts: non-coding transcript variant (1), intron variant (2).
Genome position (GRCh38, 1-based): chr13:32,337,921, A>T. VCF-style: chr13-32337921-A-T. GRCh37 (hg19) VCF-style: chr13-32912058-A-T.
Other names: c.3566A>T, p.Lys1189Ile (NM_001406719.1, NM_001406720.1); c.1909+4534A>T (NM_001406721.1); c.425-6637A>T (NM_001406722.1); short protein forms K1189I.
Identifiers: ClinVar variation 2566006 (VCV002566006.2), dbSNP rs2072483773, ClinGen allele CA387777314.

ClinVar aggregate classification (germline): Uncertain significance (1 of 4 stars; one submission).

Conditions:
Hereditary cancer-predisposing syndrome. Also called: Neoplastic Syndromes, Hereditary; Hereditary Cancer Syndrome; Hereditary neoplastic syndrome; Tumor predisposition. Identifiers: Orphanet 140162, MedGen C0027672, MeSH D009386, MONDO:0015356.

Submission:

Ambry Genetics
Classification: Uncertain significance for Hereditary cancer-predisposing syndrome. Last evaluated: 2023-05-15. Review status: criteria provided, single submitter. Criteria: Ambry Variant Classification Scheme 2023. Collection method: clinical testing. Allele origin: germline.
Comment: The p.K1189I variant (also known as c.3566A>T), located in coding exon 10 of the BRCA2 gene, results from an A to T substitution at nucleotide position 3566. The lysine at codon 1189 is replaced by isoleucine, an amino acid with dissimilar properties. This amino acid position is well conserved in available vertebrate species. In addition, this alteration is predicted to be tolerated by in silico analysis. Since supporting evidence is limited at this time, the clinical significance of this alteration remains unclear.